The following is an entry in ClinVar:

ClinVar aggregate classification (germline): Pathogenic. Review status: criteria provided, multiple submitters, no conflicts (2 of 4 stars). 2 submissions from 2 submitters: Pathogenic (2). Last evaluated 2022-03-06.

Conditions:
Primary ciliary dyskinesia. Also called: Ciliary dyskinesia. Identifiers: Orphanet 244, MedGen C0008780, MONDO:0016575, HP:0012265.

Submissions (2):

Labcorp Genetics (formerly Invitae), Labcorp
Classification: Pathogenic for Primary ciliary dyskinesia. Last evaluated: 2022-03-06. Review status: criteria provided, single submitter. Criteria: Invitae Variant Classification Sherloc (09022015). Collection method: clinical testing. Allele origin: germline.
Comment: This variant has not been reported in the literature in individuals affected with CCDC39-related conditions. For these reasons, this variant has been classified as Pathogenic. This sequence change creates a premature translational stop signal (p.Arg542Lysfs*4) in the CCDC39 gene. It is expected to result in an absent or disrupted protein product. Loss-of-function variants in CCDC39 are known to be pathogenic (PMID: 21131972, 23255504). This variant is not present in population databases (gnomAD no frequency).

Ambry Genetics
Classification: Pathogenic for Primary ciliary dyskinesia. Last evaluated: 2017-06-27. Review status: criteria provided, single submitter. Criteria: Ambry Variant Classification Scheme 2023. Collection method: clinical testing. Allele origin: germline.
Comment: The c.1625_1632delGATCAGAG pathogenic mutation, located in coding exon 12 of the CCDC39 gene, results from a deletion of 8 nucleotides at nucleotide positions 1625 to 1632, causing a translational frameshift with a predicted alternate stop codon (p.R542Kfs*4). This alteration is expected to result in loss of function by premature protein truncation or nonsense-mediated mRNA decay. As such, this alteration is interpreted as a disease-causing mutation.

Literature cited by the submitters: PubMed 21131972 (cited by Labcorp Genetics (formerly Invitae), Labcorp); PubMed 23255504 (cited by Labcorp Genetics (formerly Invitae), Labcorp).

NM_181426.2(CCDC39):c.1625_1632del (p.Arg542fs)

Gene: CCDC39 (coiled-coil domain 39 molecular ruler complex subunit; minus strand). Cytogenetic location: 3q26.33.
Variant type: Deletion.
Coding change: c.1625_1632del on transcript NM_181426.2 (MANE Select); coding-DNA positions 1625 to 1632, 8 bases deleted (GATCAGAG; older notation c.1625_1632delGATCAGAG).
Protein change: p.Arg542fs; shifts the reading frame from arginine 542.
Molecular consequence: frameshift variant.
Genome position (GRCh38, 1-based): chr3:180,644,153-180,644,160, CTCTGATC deleted on the plus strand (GATCAGAG on the coding strand, the reverse complement: CCDC39 is on the minus strand). VCF-style (leftmost placement, unchanged base first): chr3-180644152-TCTCTGATC-T. GRCh37 (hg19) VCF-style: chr3-180361940-TCTCTGATC-T.
Other names: short protein forms R542fs.
Identifiers: ClinVar variation 1776672 (VCV001776672.7), dbSNP rs2473806213, ClinGen allele CA2580069123.